The following is an entry in ClinVar:

NM_001040142.2(SCN2A):c.4701T>A (p.Asn1567Lys)

Gene: SCN2A (sodium voltage-gated channel alpha subunit 2; plus strand). Cytogenetic location: 2q24.3.
Variant type: single nucleotide variant.
Coding change: c.4701T>A on transcript NM_001040142.2 (MANE Select); coding-DNA position 4701, T replaced by A.
Protein change: p.Asn1567Lys; replaces asparagine 1567 with lysine.
Molecular consequence: missense variant.
Genome position (GRCh38, 1-based): chr2:165,386,895, T>A. VCF-style: chr2-165386895-T-A. GRCh37 (hg19) VCF-style: chr2-166243405-T-A.
Other names: p.N1567K:AAT>AAA; c.4701T>A, p.Asn1567Lys (NM_001040143.2, NM_001371246.1, NM_001371247.1 and 1 more transcripts); short protein forms N1567K.
Identifiers: ClinVar variation 207013 (VCV000207013.2), dbSNP rs796053151, ClinGen allele CA318000.

ClinVar aggregate classification (germline): Likely pathogenic (1 of 4 stars; one submission).

Submission:

GeneDx
Classification: Likely pathogenic. Last evaluated: 2014-06-13. Review status: criteria provided, single submitter. Criteria: GeneDx Variant Classification (06012015). Collection method: clinical testing. Allele origin: germline. Affected: yes.
Comment: p.Asn1567Lys (AAT>AAA): c.4701 T>A in exon 26 of the SCN2A gene (NM_021007.2). The N1567K variant has not been published as a mutation, nor has it been reported as a benign polymorphism to our knowledge. It was not observed in approximately 6,500 individuals of European and African American ancestry in the NHLBI Exome Sequencing Project, indicating it is not a common benign variant in these populations. The N1567K variant is a semi-conservative amino acid substitution, which may impact secondary protein structure as these residues differ in some properties. This substitution alters a conserved position in transmembrane segment S2 in the fourth homologous domain of the SCN2A protein (Shi et al., 2012). Additionally, in silico analysis predicts this variant is probably damaging to the protein structure/function. This variant has been observed de novo without verified parentage. The variant is found in EPILEPSY panel(s).